The following is an entry in ClinVar:

NM_133433.4(NIPBL):c.169del (p.Arg57fs)

Gene: NIPBL (NIPBL cohesin loading factor; plus strand). Cytogenetic location: 5p13.2.
Variant type: Deletion.
Coding change: c.169del on transcript NM_133433.4 (MANE Select); coding-DNA position 169, one base deleted (A; older notation c.169delA).
Protein change: p.Arg57fs; shifts the reading frame from arginine 57.
Molecular consequence: frameshift variant.
Genome position (GRCh38, 1-based): chr5:36,955,576, A deleted. VCF-style (leftmost placement, unchanged base first): chr5-36955575-TA-T. GRCh37 (hg19) VCF-style: chr5-36955677-TA-T.
Other names: c.169del, p.Arg57fs (NM_015384.5); short protein forms R57fs.
Identifiers: ClinVar variation 476584 (VCV000476584.6), dbSNP rs1554011046, ClinGen allele CA658657434.

ClinVar aggregate classification (germline): Pathogenic (1 of 4 stars; one submission).

Conditions:
Cornelia de Lange syndrome 1 (CDLS1). Also called: Brachmann de Lange syndrome; TYPUS DEGENERATIVUS AMSTELODAMENSIS; NIPBL-Related Cornelia de Lange Syndrome. Identifiers: Orphanet 199, MedGen C4551851, MONDO:0007387, OMIM 122470.

Submission:

Labcorp Genetics (formerly Invitae), Labcorp
Classification: Pathogenic for Cornelia de Lange syndrome 1. Last evaluated: 2016-10-13. Review status: criteria provided, single submitter. Criteria: Invitae Variant Classification Sherloc (09022015). Collection method: clinical testing. Allele origin: germline.
Comment: This sequence change deletes 1 nucleotide from exon 3 of the NIPBL mRNA (c.169delA), causing a frameshift at codon 57. This creates a premature translational stop signal (p.Arg57Glyfs*21) and is expected to result in an absent or disrupted protein product. While this particular variant has not been reported in the literature, loss-of-function variants in NIPBL are known to be pathogenic (PMID: 24038889). For these reasons, this variant has been classified as Pathogenic.

Literature cited by the submitters: PubMed 24038889.